The following is an entry in ClinVar:

ClinVar aggregate classification (germline): Uncertain significance (1 of 4 stars; one submission).

Submission:

Labcorp Genetics (formerly Invitae), Labcorp
Classification: Uncertain significance. Last evaluated: 2021-12-14. Review status: criteria provided, single submitter. Criteria: Invitae Variant Classification Sherloc (09022015). Collection method: clinical testing. Allele origin: germline.
Comment: In summary, the available evidence is currently insufficient to determine the role of this variant in disease. Therefore, it has been classified as a Variant of Uncertain Significance. This variant has not been reported in the literature in individuals affected with GPC6-related conditions. This variant results in a copy number gain of the genomic region encompassing exon(s) 7-9 of the GPC6 gene. This region includes the termination codon of the gene. This copy number gain extends beyond the assayed region for this gene and therefore may encompass additional genes. As the precise location of this event is unknown, it may be in tandem or it may be located elsewhere in the genome.

NC_000013.10:g.(?_95034648)_(96443284_?)dup

Genes: CLDN10 (claudin 10; plus strand), DCT (dopachrome tautomerase; minus strand), DNAJC3 (DnaJ heat shock protein family (Hsp40) member C3; plus strand), DZIP1 (DAZ interacting zinc finger protein 1; minus strand), ABCC4 (ATP binding cassette subfamily C member 4 (PEL blood group); minus strand) and 4 more. Cytogenetic location: 13q32.1.
Variant type: Duplication.
Identifiers: ClinVar variation 1411402 (VCV001411402.4).